The following is an entry in ClinVar:

NM_012309.5(SHANK2):c.4014G>A (p.Glu1338=)

Gene: SHANK2 (SH3 and multiple ankyrin repeat domains 2; minus strand). Cytogenetic location: 11q13.3.
Variant type: single nucleotide variant.
Coding change: c.4014G>A on transcript NM_012309.5 (MANE Select); coding-DNA position 4014, G replaced by A.
Protein change: p.Glu1338=; no amino-acid change (glutamic acid 1338 retained).
Molecular consequence: synonymous variant.
Genome position (GRCh38, 1-based): chr11:70,486,279, C>T on the plus strand (G>A on the coding strand, the complement: SHANK2 is on the minus strand). VCF-style: chr11-70486279-C-T. GRCh37 (hg19) VCF-style: chr11-70332384-C-T.
Other names: c.2877G>A, p.Glu959= (NM_001379226.1); c.4134G>A, p.Glu1378= (NM_001441024.1); c.3963G>A, p.Glu1321= (NM_001441025.1, NM_001441026.1, NM_001441027.1 and 8 more transcripts); c.3936G>A, p.Glu1312= (NM_001441035.1, NM_001441036.1, NM_001441037.1); c.3891G>A, p.Glu1297= (NM_001441038.1); c.2847G>A, p.Glu949= (NM_001441040.1); c.2799G>A, p.Glu933= (NM_001441041.1); c.2241G>A, p.Glu747= (NM_001441042.1); and 6 more.
Identifiers: ClinVar variation 4084496 (VCV004084496.8).

ClinVar aggregate classification (germline): Likely benign (1 of 4 stars; one submission).

Submission:

CeGaT Center for Human Genetics Tuebingen
Classification: Likely benign. Last evaluated: 2026-02-01. Review status: criteria provided, single submitter. Criteria: CeGaT Center For Human Genetics Tuebingen Variant Classification Criteria Version 2. Collection method: clinical testing. Allele origin: germline. Affected: yes. Observed: 2 variant alleles.
Comment: SHANK2: PM2:Supporting, BP4, BP7